The following is an entry in ClinVar:

ClinVar aggregate classification (germline): Conflicting classifications of pathogenicity. Review status: criteria provided, conflicting classifications (1 of 4 stars). 5 submissions from 5 submitters: Uncertain significance (4); Likely benign (1). Last evaluated 2026-01-09.

Conditions:
Hereditary cancer-predisposing syndrome. Also called: Hereditary neoplastic syndrome; Hereditary Cancer Syndrome; Neoplastic Syndromes, Hereditary; Tumor predisposition. Identifiers: Orphanet 140162, MedGen C0027672, MeSH D009386, MONDO:0015356.
Ataxia-telangiectasia syndrome (AT). Also called: Ataxia-telangiectasia, complementation group D; Cerebello-oculocutaneous telangiectasia; Immunodeficiency with ataxia telangiectasia; ATAXIA-TELANGIECTASIA, COMPLEMENTATION GROUP A; ATAXIA-TELANGIECTASIA, FRESNO VARIANT; LOUIS-BAR SYNDROME. Identifiers: Orphanet 100, MedGen C0004135, MONDO:0008840, OMIM 208900.

Allele frequency attached by ClinVar (database versions not stated): TOPMed below 0.00001; gnomAD 0.00001.
gnomAD v4.1: 1 of 1,613,650 alleles (0.000062%); highest among the groups gnomAD compares: Non-Finnish European, 0.000085%; no homozygotes.

Submissions (5):

Women's Health and Genetics/Laboratory Corporation of America, LabCorp
Classification: Uncertain significance. Last evaluated: 2026-01-09. Review status: criteria provided, single submitter. Criteria: LabCorp Variant Classification Summary - May 2015. Collection method: clinical testing. Allele origin: germline.

Ambry Genetics
Classification: Uncertain significance for Hereditary cancer-predisposing syndrome. Last evaluated: 2025-04-11. Review status: criteria provided, single submitter. Criteria: Ambry Variant Classification Scheme 2023. Collection method: clinical testing. Allele origin: germline.
Comment: The c.1235+5A>T intronic variant results from an A to T substitution 5 nucleotides after coding exon 8 in the ATM gene. This nucleotide position is well conserved in available vertebrate species. In silico splice site analysis predicts that this alteration will not have any significant effect on splicing; however, direct evidence is unavailable. Since supporting evidence is limited at this time, the clinical significance of this alteration remains unclear.

Labcorp Genetics (formerly Invitae), Labcorp
Classification: Likely benign for Ataxia-telangiectasia syndrome. Last evaluated: 2024-10-18. Review status: criteria provided, single submitter. Criteria: Invitae Variant Classification Sherloc (09022015). Collection method: clinical testing. Allele origin: germline.

Color Diagnostics, LLC DBA Color Health
Classification: Uncertain significance for Hereditary cancer-predisposing syndrome. Last evaluated: 2019-10-16. Review status: criteria provided, single submitter. Criteria: ACMG Guidelines, 2015. Collection method: clinical testing. Allele origin: germline.
Comment: This variant causes an A>T nucleotide substitution at the +5 position of intron 9 of the ATM gene. To our knowledge, functional studies have not been performed for this variant. This variant has not been reported in individuals affected with hereditary cancer in the literature. This variant has not been identified in the general population by the Genome Aggregation Database (gnomAD). The available evidence is insufficient to determine the role of this variant in disease conclusively. Therefore, this variant is classified as a Variant of Uncertain Significance.

GeneDx
Classification: Uncertain significance. Last evaluated: 2015-06-01. Review status: criteria provided, single submitter. Criteria: GeneDx Variant Classification (06012015). Collection method: clinical testing. Allele origin: germline. Affected: yes.
Comment: This variant is denoted ATM c.1235+5A>T or IVS9+5A>T and consists of a A>T nucleotide substitution at the +5 position of intron 9 of the ATM gene. In silico analysis predicts this variant to weaken the nearby natural donor site, and to possibly cause abnormal gene splicing. This variant has not, to our knowledge, been published in the literature as pathogenic or benign. The adenine (A) nucleotide that is altered is conserved across species. Based on currently available information, it is unclear whether ATM c.1235+5A>T is pathogenic or benign. We consider it to be a variant of uncertain significance.

NM_000051.4(ATM):c.1235+5A>T

Gene: ATM (ATM serine/threonine kinase; plus strand). Cytogenetic location: 11q22.3.
Variant type: single nucleotide variant.
Coding change: c.1235+5A>T on transcript NM_000051.4 (MANE Select); 5 bases into the intron after coding-DNA position 1235, A replaced by T.
Molecular consequence: intron variant.
Genome position (GRCh38, 1-based): chr11:108,249,107, A>T. VCF-style: chr11-108249107-A-T. GRCh37 (hg19) VCF-style: chr11-108119834-A-T.
Other names: c.1235+5A>T (NM_001351834.2).
Identifiers: ClinVar variation 419150 (VCV000419150.19), dbSNP rs1064793679, ClinGen allele CA16619111.
Genomic context (GRCh38, chr11:108,249,107, plus strand): 5'-GAAGTAATAAAAGATCACCTTCAGAAGTCACAGAATGATTTTGATCTTGTGCCTTGGTAA[A>T]GTGTTACCATTTTCTCATTCAGTGTCATTTTAATCTCTTGTATGTTATTTTTCAGAAAAC-3'